The following is an entry in ClinVar:

ClinVar aggregate classification (germline): Pathogenic (1 of 4 stars; one submission).

Conditions:
Perlman syndrome (PRLMNS). Identifiers: Orphanet 2849, MedGen C0796113, MONDO:0009965, OMIM 267000.

Submission:

Labcorp Genetics (formerly Invitae), Labcorp
Classification: Pathogenic for Perlman syndrome. Last evaluated: 2023-07-25. Review status: criteria provided, single submitter. Criteria: Invitae Variant Classification Sherloc (09022015). Collection method: clinical testing. Allele origin: germline.
Comment: This sequence change creates a premature translational stop signal (p.Asp89Metfs*18) in the DIS3L2 gene. It is expected to result in an absent or disrupted protein product. Loss-of-function variants in DIS3L2 are known to be pathogenic (PMID: 22306653, 28328139). For these reasons, this variant has been classified as Pathogenic. Algorithms developed to predict the effect of sequence changes on RNA splicing suggest that this variant may disrupt the consensus splice site. ClinVar contains an entry for this variant (Variation ID: 1076242). This variant is also known as c.264+1del. This variant has not been reported in the literature in individuals affected with DIS3L2-related conditions. This variant is not present in population databases (gnomAD no frequency).

Literature cited by the submitters: PubMed 22306653; PubMed 28328139.

NM_152383.5(DIS3L2):c.264+1del

Gene: DIS3L2 (DIS3 like 3'-5' exoribonuclease 2; plus strand). Cytogenetic location: 2q37.1.
Variant type: Deletion.
Coding change: c.264+1del on transcript NM_152383.5 (MANE Select); the canonical splice donor site of the intron after coding-DNA position 264, one base deleted (G; older notation c.264+1delG).
Molecular consequence: splice donor variant.
Genome position (GRCh38, 1-based): chr2:232,024,331, G deleted; the last of 2 consecutive G bases (chr2:232,024,330-232,024,331); deleting either gives the same sequence. VCF-style (leftmost placement, unchanged base first): chr2-232024329-CG-C. GRCh37 (hg19) VCF-style: chr2-232889039-CG-C.
Other names: c.264+1del (NM_001257281.2, NM_001257282.2).
Identifiers: ClinVar variation 1076242 (VCV001076242.7), dbSNP rs2106232915, ClinGen allele CA2499215780.